The following is an entry in ClinVar:

ClinVar aggregate classification (germline): Uncertain significance. Review status: criteria provided, multiple submitters, no conflicts (2 of 4 stars). 2 submissions from 2 submitters: Uncertain significance (2). Last evaluated 2022-07-05.

Conditions:
Autosomal dominant hypocalcemia 1 (HYPOC1). Also called: HYPOCALCEMIA, FAMILIAL. Identifiers: MedGen C3715128, MONDO:0011013, OMIM 601198.
Familial hypocalciuric hypercalcemia (FHH). Also called: Familial benign hypercalcemia. Identifiers: Orphanet 405, MedGen C1809471, MONDO:0018458.
Nephrolithiasis/nephrocalcinosis. Identifiers: MedGen CN580796.

Submissions (2):

Ambry Genetics
Classification: Uncertain significance for Nephrolithiasis/nephrocalcinosis. Last evaluated: 2022-07-05. Review status: criteria provided, single submitter. Criteria: Ambry Variant Classification Scheme 2023. Collection method: clinical testing. Allele origin: germline.
Comment: The p.D23N variant (also known as c.67G>A), located in coding exon 1 of the CASR gene, results from a G to A substitution at nucleotide position 67. The aspartic acid at codon 23 is replaced by asparagine, an amino acid with highly similar properties. This amino acid position is conserved. In addition, this alteration is predicted to be tolerated by in silico analysis. Since supporting evidence is limited at this time, the clinical significance of this alteration remains unclear.

Labcorp Genetics (formerly Invitae), Labcorp
Classification: Uncertain significance for Familial hypocalciuric hypercalcemia; Autosomal dominant hypocalcemia 1. Last evaluated: 2021-09-03. Review status: criteria provided, single submitter. Criteria: Invitae Variant Classification Sherloc (09022015). Collection method: clinical testing. Allele origin: germline.
Comment: In summary, the available evidence is currently insufficient to determine the role of this variant in disease. Therefore, it has been classified as a Variant of Uncertain Significance. Algorithms developed to predict the effect of missense changes on protein structure and function (SIFT, PolyPhen-2, Align-GVGD) all suggest that this variant is likely to be tolerated. This variant has not been reported in the literature in individuals affected with CASR-related conditions. This variant is not present in population databases (ExAC no frequency). This sequence change replaces aspartic acid with asparagine at codon 23 of the CASR protein (p.Asp23Asn). The aspartic acid residue is highly conserved and there is a small physicochemical difference between aspartic acid and asparagine.

NM_000388.4(CASR):c.67G>A (p.Asp23Asn)

Gene: CASR (calcium sensing receptor; plus strand). Cytogenetic location: 3q21.1.
Variant type: single nucleotide variant.
Coding change: c.67G>A on transcript NM_000388.4 (MANE Select); coding-DNA position 67, G replaced by A.
Protein change: p.Asp23Asn; replaces aspartic acid 23 with asparagine.
Molecular consequence: missense variant.
Genome position (GRCh38, 1-based): chr3:122,254,256, G>A. VCF-style: chr3-122254256-G-A. GRCh37 (hg19) VCF-style: chr3-121973103-G-A.
Other names: c.67G>A, p.Asp23Asn (NM_001178065.2); short protein forms D23N.
Identifiers: ClinVar variation 1379485 (VCV001379485.8), dbSNP rs2107624826, ClinGen allele CA354362059.